The following is an entry in ClinVar:

NM_001378418.1(TCF20):c.2356A>G (p.Thr786Ala)

Gene: TCF20 (transcription factor 20; minus strand). Cytogenetic location: 22q13.2.
Variant type: single nucleotide variant.
Coding change: c.2356A>G on transcript NM_001378418.1 (MANE Select); coding-DNA position 2356, A replaced by G.
Protein change: p.Thr786Ala; replaces threonine 786 with alanine.
Molecular consequence: missense variant.
Genome position (GRCh38, 1-based): chr22:42,212,950, T>C on the plus strand (A>G on the coding strand, the complement: TCF20 is on the minus strand). VCF-style: chr22-42212950-T-C. GRCh37 (hg19) VCF-style: chr22-42608956-T-C.
Other names: c.2356A>G, p.Thr786Ala (NM_005650.4, NM_181492.3); short protein forms T786A.
Identifiers: ClinVar variation 2817291 (VCV002817291.3), dbSNP rs2518227248, ClinGen allele CA411788833.

ClinVar aggregate classification (germline): Uncertain significance (1 of 4 stars; one submission).

Submission:

Labcorp Genetics (formerly Invitae), Labcorp
Classification: Uncertain significance. Last evaluated: 2022-11-29. Review status: criteria provided, single submitter. Criteria: Invitae Variant Classification Sherloc (09022015). Collection method: clinical testing. Allele origin: germline.
Comment: This sequence change replaces threonine, which is neutral and polar, with alanine, which is neutral and non-polar, at codon 786 of the TCF20 protein (p.Thr786Ala). This variant is not present in population databases (gnomAD no frequency). This variant has not been reported in the literature in individuals affected with TCF20-related conditions. Algorithms developed to predict the effect of missense changes on protein structure and function output the following: SIFT: "Tolerated"; PolyPhen-2: "Benign"; Align-GVGD: "Class C0". The alanine amino acid residue is found in multiple mammalian species, which suggests that this missense change does not adversely affect protein function. In summary, the available evidence is currently insufficient to determine the role of this variant in disease. Therefore, it has been classified as a Variant of Uncertain Significance.